The following is an entry in ClinVar:

NM_001041.4(SI):c.5392T>G (p.Phe1798Val)

Gene: SI (sucrase-isomaltase; minus strand). Cytogenetic location: 3q26.1.
Variant type: single nucleotide variant.
Coding change: c.5392T>G on transcript NM_001041.4 (MANE Select); coding-DNA position 5392, T replaced by G.
Protein change: p.Phe1798Val; replaces phenylalanine 1798 with valine.
Molecular consequence: missense variant.
Genome position (GRCh38, 1-based): chr3:164,982,266, A>C on the plus strand (T>G on the coding strand, the complement: SI is on the minus strand). VCF-style: chr3-164982266-A-C. GRCh37 (hg19) VCF-style: chr3-164700054-A-C.
Other names: short protein forms F1798V.
Identifiers: ClinVar variation 4765924 (VCV004765924.1).

ClinVar aggregate classification (germline): Uncertain significance (1 of 4 stars; one submission).

Submission:

Labcorp Genetics (formerly Invitae), Labcorp
Classification: Uncertain significance. Last evaluated: 2026-02-01. Review status: criteria provided, single submitter. Criteria: Invitae Variant Classification Sherloc (09022015). Collection method: clinical testing. Allele origin: germline.
Comment: This sequence change replaces phenylalanine, which is neutral and non-polar, with valine, which is neutral and non-polar, at codon 1798 of the SI protein (p.Phe1798Val). This variant is present in population databases (no rsID available, gnomAD no frequency). This variant has not been reported in the literature in individuals affected with SI-related conditions. Invitae Evidence Modeling of protein sequence and biophysical properties (such as structural, functional, and spatial information, amino acid conservation, physicochemical variation, residue mobility, and thermodynamic stability) indicates that this missense variant is not expected to disrupt SI protein function with a negative predictive value of 95%. In summary, the available evidence is currently insufficient to determine the role of this variant in disease. Therefore, it has been classified as a Variant of Uncertain Significance.